The following is an entry in ClinVar:

NM_000257.4(MYH7):c.1251C>G (p.Val417=)

Gene: MYH7 (myosin heavy chain 7; minus strand). Cytogenetic location: 14q11.2.
Variant type: single nucleotide variant.
Coding change: c.1251C>G on transcript NM_000257.4 (MANE Select); coding-DNA position 1251, C replaced by G.
Protein change: p.Val417=; no amino-acid change (valine 417 retained).
Molecular consequence: synonymous variant.
Genome position (GRCh38, 1-based): chr14:23,429,235, G>C on the plus strand (C>G on the coding strand, the complement: MYH7 is on the minus strand). VCF-style: chr14-23429235-G-C. GRCh37 (hg19) VCF-style: chr14-23898444-G-C.
Identifiers: ClinVar variation 42832 (VCV000042832.23), dbSNP rs370628924, ClinGen allele CA010433.

ClinVar aggregate classification (germline): Benign/Likely benign. Review status: criteria provided, multiple submitters, no conflicts (2 of 4 stars). 8 submissions from 8 submitters: Benign (1); Likely benign (7). Last evaluated 2026-01-12.

Conditions:
Cardiovascular phenotype. Identifiers: MedGen CN230736.
Cardiomyopathy (CMYO). Also called: Cardiomyopathies. Identifiers: Orphanet 167848, MedGen C0878544, MONDO:0004994, HP:0001638. Inheritance: Various modes of inheritance.
Hypertrophic cardiomyopathy. Also called: HYPERTROPHIC MYOCARDIOPATHY. Identifiers: Orphanet 217569, MedGen C0007194, MeSH D002312, MONDO:0005045, HP:0001639.

Allele frequency attached by ClinVar (database versions not stated): ExAC 0.00002; gnomAD exomes 0.00002; TOPMed 0.00003; gnomAD 0.00005; ESP Exome Variant Server 0.00008.

Submissions (8):

Labcorp Genetics (formerly Invitae), Labcorp
Classification: Likely benign for Hypertrophic cardiomyopathy. Last evaluated: 2026-01-12. Review status: criteria provided, single submitter. Criteria: Invitae Variant Classification Sherloc (09022015). Collection method: clinical testing. Allele origin: germline.

Molecular Diagnostic Laboratory for Inherited Cardiovascular Disease, Montreal Heart Institute
Classification: Likely benign. Last evaluated: 2025-04-09. Review status: criteria provided, single submitter. Criteria: ACMG Guidelines, 2015. Collection method: clinical testing. Allele origin: germline. Affected: no.

Blueprint Genetics
Classification: Likely benign. Last evaluated: 2024-11-07. Review status: criteria provided, single submitter. Criteria: ACMG Guidelines, 2015. Collection method: clinical testing. Allele origin: germline.

All of Us Research Program, National Institutes of Health
Classification: Likely benign for Cardiomyopathy. Last evaluated: 2024-08-13. Review status: criteria provided, single submitter. Criteria: ACMG Guidelines, 2015. Collection method: clinical testing. Allele origin: germline. Inheritance: Autosomal dominant inheritance. Observed: 10 variant alleles, 10 heterozygotes.
Comment: This study involves interpretation of variants in research participants for the purpose of population health screening. Participant phenotype was not available at the time of variant classification. Additional details can be found in publication PMID: 35346344, PMCID: PMC8962531

Ambry Genetics
Classification: Likely benign for Cardiovascular phenotype. Last evaluated: 2023-01-05. Review status: criteria provided, single submitter. Criteria: Ambry Variant Classification Scheme 2023. Collection method: clinical testing. Allele origin: germline.

Color Diagnostics, LLC DBA Color Health
Classification: Likely benign for Cardiomyopathy. Last evaluated: 2019-06-18. Review status: criteria provided, single submitter. Criteria: ACMG Guidelines, 2015. Collection method: clinical testing. Allele origin: germline.

GeneDx
Classification: Benign. Last evaluated: 2015-03-03. Review status: criteria provided, single submitter. Criteria: GeneDx Variant Classification Process June 2021. Collection method: clinical testing. Allele origin: germline. Affected: yes.

Laboratory for Molecular Medicine, Mass General Brigham Personalized Medicine
Classification: Likely benign. Last evaluated: 2012-03-19. Review status: criteria provided, single submitter. Criteria: LMM Criteria. Collection method: clinical testing. Allele origin: germline. Observed: 1 variant allele.
Comment: Val417Val in exon 13 of MYH7: This variant is not expected to have clinical sign ificance because it does not alter an amino acid residue and is not located with in the splice consensus sequence. It has been identified in 1/7020 European Amer ican chromosomes from a broad population by the NHLBI Exome Sequencing Project. Val417Val in exon 13 of MYH7 (allele frequen cy = 1/7020) **